The following is an entry in ClinVar:

ClinVar aggregate classification (germline): Uncertain significance (1 of 4 stars; one submission).

Submission:

CeGaT Center for Human Genetics Tuebingen
Classification: Uncertain significance. Last evaluated: 2026-04-01. Review status: criteria provided, single submitter. Criteria: CeGaT Center For Human Genetics Tuebingen Variant Classification Criteria Version 2. Collection method: clinical testing. Allele origin: germline. Affected: yes. Observed: 1 variant allele.
Comment: MAPT: PM1, PM2, PP2

NM_001377265.1(MAPT):c.2153G>C (p.Gly718Ala)

Gene: MAPT (microtubule associated protein tau). Cytogenetic location: 17q21.31.
Variant type: single nucleotide variant.
Coding change: c.2153G>C on transcript NM_001377265.1 (MANE Select); coding-DNA position 2153, G replaced by C.
Protein change: p.Gly718Ala; replaces glycine 718 with alanine.
Molecular consequence: missense variant. On other transcripts: non-coding transcript variant (1), intron variant (1).
Genome position (GRCh38, 1-based): chr17:46,014,304, G>C. VCF-style: chr17-46014304-G-C. GRCh37 (hg19) VCF-style: chr17-44091670-G-C.
Other names: c.1982G>C, p.Gly661Ala (NM_001123066.4); c.890G>C, p.Gly297Ala (NM_001123067.4); c.797G>C, p.Gly266Ala (NM_001203251.2); c.884G>C, p.Gly295Ala (NM_001203252.2); c.1862G>C, p.Gly621Ala (NM_001377266.1); c.710G>C, p.Gly237Ala (NM_001377268.1, NM_016841.5); c.977G>C, p.Gly326Ala (NM_005910.6); c.803G>C, p.Gly268Ala (NM_016834.5); and 2 more; short protein forms G237A, G266A, G268A, G295A, G297A, G326A, G621A, G643A.
Identifiers: ClinVar variation 4874599 (VCV004874599.2).
Genomic context (GRCh38, chr17:46,014,304, plus strand): 5'-TGCAAATAGTCTACAAACCAGTTGACCTGAGCAAGGTGACCTCCAAGTGTGGCTCATTAG[G>C]CAACATCCATCATAAACCAGGTAGCCCTGTGGAAGGTGAGGGTTGGGACGGGAGGGTGCA-3'
Protein context (NP_001364194.1, residues 708-728): SKVTSKCGSL[Gly718Ala]NIHHKPGGGQ